The following is an entry in ClinVar:

ClinVar aggregate classification (germline): Uncertain significance (1 of 4 stars; one submission).

Submission:

Ambry Genetics
Classification: Uncertain significance. Last evaluated: 2024-11-14. Review status: criteria provided, single submitter. Criteria: Ambry Variant Classification Scheme 2023. Collection method: clinical testing. Allele origin: germline.
Comment: The p.S969P variant (also known as c.2905T>C), located in coding exon 23 of the BUB1 gene, results from a T to C substitution at nucleotide position 2905. The serine at codon 969 is replaced by proline, an amino acid with similar properties. This amino acid position is conserved. In addition, the in silico prediction for this alteration is inconclusive. Since supporting evidence is limited at this time, the clinical significance of this alteration remains unclear.

NM_004336.5(BUB1):c.2905T>C (p.Ser969Pro)

Gene: BUB1 (BUB1 mitotic checkpoint serine/threonine kinase; minus strand). Cytogenetic location: 2q13.
Variant type: single nucleotide variant.
Coding change: c.2905T>C on transcript NM_004336.5 (MANE Select); coding-DNA position 2905, T replaced by C.
Protein change: p.Ser969Pro; replaces serine 969 with proline.
Molecular consequence: missense variant.
Genome position (GRCh38, 1-based): chr2:110,641,084, A>G on the plus strand (T>C on the coding strand, the complement: BUB1 is on the minus strand). VCF-style: chr2-110641084-A-G. GRCh37 (hg19) VCF-style: chr2-111398661-A-G.
Other names: c.2845T>C, p.Ser949Pro (NM_001278616.2); c.2734T>C, p.Ser912Pro (NM_001278617.2); short protein forms S969P, S949P, S912P.
Identifiers: ClinVar variation 1797503 (VCV001797503.3), dbSNP rs2467970154, ClinGen allele CA348089037.